The following is an entry in ClinVar:

NM_014458.4(KLHL20):c.1547A>T (p.Asp516Val)

Gene: KLHL20 (kelch like family member 20; plus strand). Cytogenetic location: 1q25.1.
Variant type: single nucleotide variant.
Coding change: c.1547A>T on transcript NM_014458.4 (MANE Select); coding-DNA position 1547, A replaced by T.
Protein change: p.Asp516Val; replaces aspartic acid 516 with valine.
Molecular consequence: missense variant.
Genome position (GRCh38, 1-based): chr1:173,775,751, A>T. VCF-style: chr1-173775751-A-T. GRCh37 (hg19) VCF-style: chr1-173744890-A-T.
Other names: short protein forms D516V.
Identifiers: ClinVar variation 3359907 (VCV003359907.2).
Genomic context (GRCh38, chr1:173,775,751, plus strand): 5'-GGAGGAAACACCTAGGCTGTGCAGTATATCAGGACATGATCTATGCTGTAGGAGGTAGAG[A>T]TGACACTACAGAGCTGAGCAGTGCTGAGAGATACAACCCCAGAACCAACCAGTGGTCTCC-3'
Protein context (NP_055273.2, residues 506-526): QDMIYAVGGR[Asp516Val]DTTELSSAER

ClinVar aggregate classification (germline): Uncertain significance (1 of 4 stars; one submission).

Submission:

GeneDx
Classification: Uncertain significance. Last evaluated: 2026-09-18. Review status: criteria provided, single submitter. Criteria: GeneDx Variant Classification Process June 2021. Collection method: clinical testing. Allele origin: germline.
Comment: Not observed at significant frequency in large population cohorts (gnomAD); In silico analysis supports that this missense variant has a deleterious effect on protein structure/function; Has not been previously published as pathogenic or benign to our knowledge